The following is an entry in ClinVar:

NM_018451.5(CPAP):c.3725G>A (p.Arg1242Lys)

Genes: CPAP (centrosome assembly and centriole elongation protein; minus strand), RNF17 (ring finger protein 17; plus strand). Cytogenetic location: 13q12.12.
Variant type: single nucleotide variant.
Coding change: c.3725G>A on transcript NM_018451.5 (MANE Select); coding-DNA position 3725, G replaced by A.
Protein change: p.Arg1242Lys; replaces arginine 1242 with lysine.
Molecular consequence: missense variant. On other transcripts: non-coding transcript variant (2).
Genome position (GRCh38, 1-based): chr13:24,884,062, C>T on the plus strand (G>A on the coding strand, the complement: CPAP is on the minus strand). VCF-style: chr13-24884062-C-T. GRCh37 (hg19) VCF-style: chr13-25458200-C-T.
Other names: short protein forms R1242K.
Identifiers: ClinVar variation 100872 (VCV000100872.2), dbSNP rs483352749, ClinGen allele CA229171.

ClinVar aggregate classification (germline): Uncertain significance. Review status: no assertion criteria provided (0 of 4 stars). 2 submissions from 1 submitter: Uncertain significance (1). 1 of the submissions does not count toward it.

Submissions (2):

Richard Lifton Laboratory, Yale University School of Medicine
Classification: Uncertain significance. Review status: no assertion criteria provided. Collection method: not provided. Allele origin: somatic.
Comment: CENPJ:p.R1242K
ClinVar note: Converted during submission from unknown to Uncertain significance.

Richard Lifton Laboratory, Yale University School of Medicine
Classification: Uncertain significance. Review status: flagged submission. Collection method: not provided. Allele origin: somatic. Not counted in ClinVar's aggregate classification.
ClinVar note: Converted during submission from unknown to Uncertain significance.
ClinVar note: Reason: This record appears to be redundant with a more recent record from the same submitter.
ClinVar note: Notes: SCV000120097 appears to be redundant with SCV000155201.